The following is an entry in ClinVar:

ClinVar aggregate classification (germline): Uncertain significance (1 of 4 stars; one submission).

Submission:

CeGaT Center for Human Genetics Tuebingen
Classification: Uncertain significance. Last evaluated: 2022-10-01. Review status: criteria provided, single submitter. Criteria: CeGaT Center For Human Genetics Tuebingen Variant Classification Criteria Version 2. Collection method: clinical testing. Allele origin: germline. Affected: yes. Observed: 1 variant allele.
Comment: SCN8A: PM2

NM_001330260.2(SCN8A):c.892_894dup (p.Lys298_Gly299insLys)

Gene: SCN8A (sodium voltage-gated channel alpha subunit 8; plus strand). Cytogenetic location: 12q13.13.
Variant type: Duplication.
Coding change: c.892_894dup on transcript NM_001330260.2 (MANE Select); coding-DNA positions 892 to 894, 3 bases duplicated (AAA; older notation c.892_894dupAAA).
Protein change: p.Lys298_Gly299insLys.
Molecular consequence: inframe insertion.
Genome position (GRCh38, 1-based): chr12:51,699,755-51,699,757, AAA duplicated. VCF-style (leftmost placement, unchanged base first): chr12-51699754-C-CAAA. GRCh37 (hg19) VCF-style: chr12-52093538-C-CAAA.
Other names: c.892_894dup, p.Lys298_Gly299insLys (NM_001177984.3, NM_001369788.1, NM_014191.4).
Identifiers: ClinVar variation 2642999 (VCV002642999.24), dbSNP rs2540173119, ClinGen allele CA2695199090.
Genomic context (GRCh38, chr12:51,699,754, plus strand): 5'-TCGAAACAAGTGTGTTGTGTGGCCCATAAACTTCAACGAGAGCTATCTTGAAAATGGCAC[C>CAAA]AAAGGCTTTGATTGGGAAGAGTATATCAACAATAAAAGTAGGTGGCCTCTTCTCTGCAAG-3'